The following is an entry in ClinVar:

ClinVar aggregate classification (germline): Uncertain significance (1 of 4 stars; one submission).

gnomAD v4.1: 2 of 1,613,644 alleles (0.00012%); highest among the groups gnomAD compares: Non-Finnish European, 0.00017%; no homozygotes.

Submission:

Labcorp Genetics (formerly Invitae), Labcorp
Classification: Uncertain significance. Last evaluated: 2022-02-18. Review status: criteria provided, single submitter. Criteria: Invitae Variant Classification Sherloc (09022015). Collection method: clinical testing. Allele origin: germline.
Comment: This sequence change replaces asparagine, which is neutral and polar, with serine, which is neutral and polar, at codon 186 of the COLEC11 protein (p.Asn186Ser). This variant is not present in population databases (gnomAD no frequency). This variant has not been reported in the literature in individuals affected with COLEC11-related conditions. Algorithms developed to predict the effect of missense changes on protein structure and function (SIFT, PolyPhen-2, Align-GVGD) all suggest that this variant is likely to be disruptive. In summary, the available evidence is currently insufficient to determine the role of this variant in disease. Therefore, it has been classified as a Variant of Uncertain Significance.

NM_024027.5(COLEC11):c.557A>G (p.Asn186Ser)

Gene: COLEC11 (collectin subfamily member 11; plus strand). Cytogenetic location: 2p25.3.
Variant type: single nucleotide variant.
Coding change: c.557A>G on transcript NM_024027.5 (MANE Select); coding-DNA position 557, A replaced by G.
Protein change: p.Asn186Ser; replaces asparagine 186 with serine.
Molecular consequence: missense variant. On other transcripts: non-coding transcript variant (1).
Genome position (GRCh38, 1-based): chr2:3,643,859, A>G. VCF-style: chr2-3643859-A-G. GRCh37 (hg19) VCF-style: chr2-3691449-A-G.
Other names: c.485A>G, p.Asn162Ser (NM_001255982.2, NM_001255983.2); c.413A>G, p.Asn138Ser (NM_001255984.2); c.599A>G, p.Asn200Ser (NM_001255985.1); c.479A>G, p.Asn160Ser (NM_001255986.1); c.407A>G, p.Asn136Ser (NM_001255987.1, NM_001255988.1); c.335A>G, p.Asn112Ser (NM_001255989.1); c.548A>G, p.Asn183Ser (NM_199235.3); short protein forms N162S, N200S, N183S, N136S, N186S, N112S, N138S, N160S.
Identifiers: ClinVar variation 2093080 (VCV002093080.4), dbSNP rs1666074592, ClinGen allele CA345749027.